The following is an entry in ClinVar:

ClinVar aggregate classification (germline): Uncertain significance (1 of 4 stars; one submission).

Submission:

GeneDx
Classification: Uncertain significance. Last evaluated: 2025-03-26. Review status: criteria provided, single submitter. Criteria: GeneDx Variant Classification Process June 2021. Collection method: clinical testing. Allele origin: germline. Affected: yes.
Comment: Not observed at significant frequency in large population cohorts (gnomAD); In silico analysis indicates that this missense variant does not alter protein structure/function; Has not been previously published as pathogenic or benign to our knowledge

NM_001007553.3(CSDE1):c.1252G>A (p.Val418Ile)

Gene: CSDE1 (cold shock domain containing E1; minus strand). Cytogenetic location: 1p13.2.
Variant type: single nucleotide variant.
Coding change: c.1252G>A on transcript NM_001007553.3 (MANE Select); coding-DNA position 1252, G replaced by A.
Protein change: p.Val418Ile; replaces valine 418 with isoleucine.
Molecular consequence: missense variant.
Genome position (GRCh38, 1-based): chr1:114,730,362, C>T on the plus strand (G>A on the coding strand, the complement: CSDE1 is on the minus strand). VCF-style: chr1-114730362-C-T. GRCh37 (hg19) VCF-style: chr1-115272983-C-T.
Other names: c.1297G>A, p.Val433Ile (NM_001130523.3); c.1390G>A, p.Val464Ile (NM_001242891.2); c.1252G>A, p.Val418Ile (NM_001242892.2); c.1159G>A, p.Val387Ile (NM_001242893.2, NM_007158.6); short protein forms V387I, V433I, V418I, V464I.
Identifiers: ClinVar variation 4087917 (VCV004087917.1).